The following is an entry in ClinVar:

NM_014028.4(OSTM1):c.198A>G (p.Gly66=)

Gene: OSTM1 (osteoclastogenesis associated transmembrane protein 1; minus strand). Cytogenetic location: 6q21.
Variant type: single nucleotide variant.
Coding change: c.198A>G on transcript NM_014028.4 (MANE Select); coding-DNA position 198, A replaced by G.
Protein change: p.Gly66=; no amino-acid change (glycine 66 retained).
Molecular consequence: synonymous variant.
Genome position (GRCh38, 1-based): chr6:108,074,454, T>C on the plus strand (A>G on the coding strand, the complement: OSTM1 is on the minus strand). VCF-style: chr6-108074454-T-C. GRCh37 (hg19) VCF-style: chr6-108395658-T-C.
Identifiers: ClinVar variation 905236 (VCV000905236.14), dbSNP rs565610194, ClinGen allele CA3948119.

ClinVar aggregate classification (germline): Likely benign. Review status: criteria provided, multiple submitters, no conflicts (2 of 4 stars). 4 submissions from 4 submitters: Likely benign (3). 1 of the submissions does not count toward it. Last evaluated 2026-01-05.

Conditions:
OSTM1-related disorder. Also called: OSTM1-related condition.
Autosomal recessive osteopetrosis 5. Identifiers: Orphanet 85179, MedGen C1968603, MONDO:0009817, OMIM 259720.

Allele frequency attached by ClinVar (database versions not stated): gnomAD exomes 0.00004 and 0.00021; gnomAD 0.00015; ExAC 0.00018; 1000 Genomes Project 0.00020; 1000 Genomes Project 30x 0.00031; TOPMed 0.00038.
gnomAD v4.1: 94 of 1,557,464 alleles (0.006%); highest among the groups gnomAD compares: Admixed American, 0.12%; no homozygotes.

Submissions (4):

Labcorp Genetics (formerly Invitae), Labcorp
Classification: Likely benign. Last evaluated: 2026-01-05. Review status: criteria provided, single submitter. Criteria: Invitae Variant Classification Sherloc (09022015). Collection method: clinical testing. Allele origin: germline.

Blueprint Genetics
Classification: Likely benign. Last evaluated: 2024-08-15. Review status: criteria provided, single submitter. Criteria: ACMG Guidelines, 2015. Collection method: clinical testing. Allele origin: germline.

Illumina Laboratory Services, Illumina
Classification: Likely benign for Autosomal recessive osteopetrosis 5. Last evaluated: 2018-01-13. Review status: criteria provided, single submitter. Criteria: ICSL Variant Classification Criteria 13 December 2019. Collection method: clinical testing. Allele origin: germline.
Comment: This variant was observed in the ICSL laboratory as part of a predisposition screen in an ostensibly healthy population. It had not been previously curated by ICSL or reported in the Human Gene Mutation Database (HGMD: prior to June 1st, 2018), and was therefore a candidate for classification through an automated scoring system. Utilizing variant allele frequency, disease prevalence and penetrance estimates, and inheritance mode, an automated score was calculated to assess if this variant is too frequent to cause the disease. Based on the score and internal cut-off values, a variant classified as likely benign is not then subjected to further curation. The score for this variant resulted in a classification of likely benign for this disease.

PreventionGenetics, part of Exact Sciences
Classification: Likely benign for OSTM1-related condition. Last evaluated: 2023-09-27. Review status: no assertion criteria provided. Collection method: clinical testing. Allele origin: germline. Not counted in ClinVar's aggregate classification.
Comment: This variant is classified as likely benign based on ACMG/AMP sequence variant interpretation guidelines (Richards et al. 2015 PMID: 25741868, with internal and published modifications).